The following is an entry in ClinVar:

ClinVar aggregate classification (germline): Benign. Review status: criteria provided, multiple submitters, no conflicts (2 of 4 stars). 7 submissions from 7 submitters: Benign (7). Last evaluated 2026-02-04.

Conditions:
Imerslund-Grasbeck syndrome type 1 (IGS1). Also called: Megaloblastic anemia 1, Finnish type; MEGALOBLASTIC ANEMIA, 1; Imerslund-Gräsbeck syndrome 1. Identifiers: MedGen C4016819, MONDO:0100156, OMIM 261100.
Imerslund-Grasbeck syndrome. Also called: ENTEROCYTE COBALAMIN MALABSORPTION; ENTEROCYTE INTRINSIC FACTOR RECEPTOR, DEFECT OF; Imerslund-Gräsbeck syndrome; PERNICIOUS ANEMIA, JUVENILE, DUE TO SELECTIVE INTESTINAL MALABSORPTION OF VITAMIN B12, WITH PROTEINURIA; Megaloblastic anemia due to inborn errors of metabolism. Identifiers: Orphanet 35858, MedGen C4551825, MONDO:0009853.

Allele frequency attached by ClinVar (database versions not stated): 1000 Genomes Project 0.63598; 1000 Genomes Project 30x 0.63679; TOPMed 0.69076; gnomAD exomes 0.69847 and 0.73012; gnomAD 0.70072 and 0.70381; ESP Exome Variant Server 0.71482; ExAC 0.71697.
gnomAD v4.1: 1,161,655 of 1,599,386 alleles (73%); highest among the groups gnomAD compares: Non-Finnish European, 74%; 424,527 homozygotes.

Submissions (7):

Labcorp Genetics (formerly Invitae), Labcorp
Classification: Benign for Imerslund-Grasbeck syndrome. Last evaluated: 2026-02-04. Review status: criteria provided, single submitter. Criteria: Invitae Variant Classification Sherloc (09022015). Collection method: clinical testing. Allele origin: germline.

Blueprint Genetics
Classification: Benign. Last evaluated: 2024-11-27. Review status: criteria provided, single submitter. Criteria: ACMG Guidelines, 2015. Collection method: clinical testing. Allele origin: germline.

Mayo Clinic Laboratories, Mayo Clinic
Classification: Benign. Last evaluated: 2022-03-31. Review status: criteria provided, single submitter. Criteria: ACMG Guidelines, 2015. Collection method: clinical testing. Allele origin: germline. Observed: 222 variant alleles.

Genome-Nilou Lab
Classification: Benign for Imerslund-Grasbeck syndrome type 1. Last evaluated: 2021-07-30. Review status: criteria provided, single submitter. Criteria: ACMG Guidelines, 2015. Collection method: clinical testing. Allele origin: germline. Affected: no.

GeneDx
Classification: Benign. Last evaluated: 2018-06-13. Review status: criteria provided, single submitter. Criteria: GeneDx Variant Classification (06012015). Collection method: clinical testing. Allele origin: germline. Affected: yes.
Comment: This variant is considered likely benign or benign based on one or more of the following criteria: it is a conservative change, it occurs at a poorly conserved position in the protein, it is predicted to be benign by multiple in silico algorithms, and/or has population frequency not consistent with disease.

Illumina Laboratory Services, Illumina
Classification: Benign for Imerslund-Grasbeck syndrome type 1. Last evaluated: 2018-01-13. Review status: criteria provided, single submitter. Criteria: ICSL Variant Classification Criteria 13 December 2019. Collection method: clinical testing. Allele origin: germline.
Comment: This variant was observed in the ICSL laboratory as part of a predisposition screen in an ostensibly healthy population. It had not been previously curated by ICSL or reported in the Human Gene Mutation Database (HGMD: prior to June 1st, 2018), and was therefore a candidate for classification through an automated scoring system. Utilizing variant allele frequency, disease prevalence and penetrance estimates, and inheritance mode, an automated score was calculated to assess if this variant is too frequent to cause the disease. Based on the score and internal cut-off values, a variant classified as benign is not then subjected to further curation. The score for this variant resulted in a classification of benign for this disease.

Breakthrough Genomics
Classification: Benign. Review status: criteria provided, single submitter. Criteria: ACMG Guidelines, 2015. Collection method: not provided. Allele origin: germline. Inheritance: Autosomal recessive inheritance. Affected: yes.

NM_001081.4(CUBN):c.9843A>G (p.Thr3281=)

Gene: CUBN (cubilin; minus strand). Cytogenetic location: 10p13.
Variant type: single nucleotide variant.
Coding change: c.9843A>G on transcript NM_001081.4 (MANE Select); coding-DNA position 9843, A replaced by G.
Protein change: p.Thr3281=; no amino-acid change (threonine 3281 retained).
Molecular consequence: synonymous variant.
Genome position (GRCh38, 1-based): chr10:16,840,519, T>C on the plus strand (A>G on the coding strand, the complement: CUBN is on the minus strand). VCF-style: chr10-16840519-T-C. GRCh37 (hg19) VCF-style: chr10-16882518-T-C.
Other names: p.Thr3281=.
Identifiers: ClinVar variation 299373 (VCV000299373.20), dbSNP rs703064, ClinGen allele CA5422562.
Genomic context (GRCh38, chr10:16,840,519, plus strand): 5'-GACATCTGGGTCTGATGAATTGGGTGATGAAATATTTTGTGGGGTCCAAGTTGCATTGTA[T>C]GTTCCACCACAAGGCACTGGAGAGGGAGGAAAAAGCAACACAGGAGACATTTTATTCATG-3'
Protein context (NP_001072.2, residues 3271-3291): YTIMDMPCGG[Thr3281=]YNATWTPQNI